The following is an entry in ClinVar:

NM_000903.3(NQO1):c.334A>G (p.Ile112Val)

Gene: NQO1 (NAD(P)H quinone dehydrogenase 1; minus strand). Cytogenetic location: 16q22.1.
Variant type: single nucleotide variant.
Coding change: c.334A>G on transcript NM_000903.3 (MANE Select); coding-DNA position 334, A replaced by G.
Protein change: p.Ile112Val; replaces isoleucine 112 with valine.
Molecular consequence: missense variant. On other transcripts: intron variant (2).
Genome position (GRCh38, 1-based): chr16:69,715,047, T>C on the plus strand (A>G on the coding strand, the complement: NQO1 is on the minus strand). VCF-style: chr16-69715047-T-C. GRCh37 (hg19) VCF-style: chr16-69748950-T-C.
Other names: c.334A>G, p.Ile112Val (NM_001025433.2); c.303+3076A>G (NM_001286137.2); c.304-1918A>G (NM_001025434.2); short protein forms I112V.
Identifiers: ClinVar variation 1730492 (VCV001730492.2), dbSNP rs969934285, ClinGen allele CA283357777.

ClinVar aggregate classification (germline): Uncertain significance (1 of 4 stars; one submission).

Allele frequency attached by ClinVar (database versions not stated): gnomAD exomes 0.00001; TOPMed 0.00001.
gnomAD v4.1: 13 of 1,613,748 alleles (0.00081%); highest among the groups gnomAD compares: Non-Finnish European, 0.0011%; no homozygotes.

Submission:

Ambry Genetics
Classification: Uncertain significance. Last evaluated: 2024-03-23. Review status: criteria provided, single submitter. Criteria: Ambry Variant Classification Scheme 2023. Collection method: clinical testing. Allele origin: germline.
Comment: The p.I112V variant (also known as c.334A>G), located in coding exon 4 of the NQO1 gene, results from an A to G substitution at nucleotide position 334. The isoleucine at codon 112 is replaced by valine, an amino acid with highly similar properties. This amino acid position is conserved. In addition, this alteration is predicted to be tolerated by in silico analysis. Since supporting evidence is limited at this time, the clinical significance of this alteration remains unclear.